The following is an entry in ClinVar:

ClinVar aggregate classification (germline): Uncertain significance. Review status: criteria provided, multiple submitters, no conflicts (2 of 4 stars). 2 submissions from 2 submitters: Uncertain significance (2). Last evaluated 2025-11-23.

Conditions:
Cardiovascular phenotype. Identifiers: MedGen CN230736.
Arrhythmogenic right ventricular dysplasia 10. Also called: Arrhythmogenic right ventricular dysplasia/cardiomyopathy, type 10; Arrhythmogenic Right Ventricular Dysplasia/Cardiomyopathy10; ARRHYTHMOGENIC RIGHT VENTRICULAR DYSPLASIA, FAMILIAL, 10. Identifiers: MedGen C1857777, MONDO:0012434, OMIM 610193.

Allele frequency attached by ClinVar (database versions not stated): gnomAD exomes below 0.00001; TOPMed below 0.00001; gnomAD 0.00001.
gnomAD v4.1: 4 of 1,614,048 alleles (0.00025%); highest among the groups gnomAD compares: Non-Finnish European, 0.00034%; no homozygotes.

Submissions (2):

Labcorp Genetics (formerly Invitae), Labcorp
Classification: Uncertain significance for Arrhythmogenic right ventricular dysplasia 10. Last evaluated: 2025-11-23. Review status: criteria provided, single submitter. Criteria: Invitae Variant Classification Sherloc (09022015). Collection method: clinical testing. Allele origin: germline.
Comment: This sequence change replaces phenylalanine, which is neutral and non-polar, with leucine, which is neutral and non-polar, at codon 312 of the DSG2 protein (p.Phe312Leu). This variant is not present in population databases (gnomAD no frequency). This variant has not been reported in the literature in individuals affected with DSG2-related conditions. ClinVar contains an entry for this variant (Variation ID: 1920630). Invitae Evidence Modeling of protein sequence and biophysical properties (such as structural, functional, and spatial information, amino acid conservation, physicochemical variation, residue mobility, and thermodynamic stability) has been performed for this missense variant. However, the output from this modeling did not meet the statistical confidence thresholds required to predict the impact of this variant on DSG2 protein function. In summary, the available evidence is currently insufficient to determine the role of this variant in disease. Therefore, it has been classified as a Variant of Uncertain Significance.

Ambry Genetics
Classification: Uncertain significance for Cardiovascular phenotype. Last evaluated: 2025-09-26. Review status: criteria provided, single submitter. Criteria: Ambry Variant Classification Scheme 2023. Collection method: clinical testing. Allele origin: germline.

NM_001943.5(DSG2):c.934T>C (p.Phe312Leu)

Gene: DSG2 (desmoglein 2; plus strand). Cytogenetic location: 18q12.1.
Variant type: single nucleotide variant.
Coding change: c.934T>C on transcript NM_001943.5 (MANE Select); coding-DNA position 934, T replaced by C.
Protein change: p.Phe312Leu; replaces phenylalanine 312 with leucine.
Molecular consequence: missense variant.
Genome position (GRCh38, 1-based): chr18:31,524,808, T>C. VCF-style: chr18-31524808-T-C. GRCh37 (hg19) VCF-style: chr18-29104771-T-C.
Other names: short protein forms F312L.
Identifiers: ClinVar variation 1920630 (VCV001920630.6), dbSNP rs1361961928, ClinGen allele CA402135697.
Genomic context (GRCh38, chr18:31,524,808, plus strand): 5'-CGCATAAAAGTGTTCGATGCAGATGAAATAGGTTCTGATAATTGGCTGGCAAATTTTACA[T>C]TTGCATCAGGAAATGAAGGAGGTTATTTCCACATAGAAACAGATGCTCAAACTAACGAAG-3'
Protein context (NP_001934.2, residues 302-322): GSDNWLANFT[Phe312Leu]ASGNEGGYFH